The following is an entry in ClinVar:

NM_001127222.2(CACNA1A):c.7307C>T (p.Ala2436Val)

Gene: CACNA1A (calcium voltage-gated channel subunit alpha1 A; minus strand). Cytogenetic location: 19p13.13.
Variant type: single nucleotide variant.
Coding change: c.7307C>T on transcript NM_001127222.2 (MANE Select); coding-DNA position 7307, C replaced by T.
Protein change: p.Ala2436Val; replaces alanine 2436 with valine.
Molecular consequence: missense variant. On other transcripts: 3 prime UTR variant (3).
Genome position (GRCh38, 1-based): chr19:13,207,527, G>A on the plus strand (C>T on the coding strand, the complement: CACNA1A is on the minus strand). VCF-style: chr19-13207527-G-A. GRCh37 (hg19) VCF-style: chr19-13318341-G-A.
Other names: c.*519C>T (NM_000068.4, NM_001127221.2, NM_001174080.2); c.7325C>T, p.Ala2442Val (NM_023035.3); short protein forms A2436V, A2442V.
Identifiers: ClinVar variation 4682233 (VCV004682233.1).

ClinVar aggregate classification (germline): Uncertain significance (1 of 4 stars; one submission).

gnomAD v4.1: 9 of 1,435,198 alleles (0.00063%); highest among the groups gnomAD compares: Non-Finnish European, 0.00073%; no homozygotes.

Submission:

Athena Diagnostics
Classification: Uncertain significance. Last evaluated: 2025-09-19. Review status: criteria provided, single submitter. Criteria: Athena Diagnostics Criteria. Collection method: clinical testing. Allele origin: unknown.
Comment: Available data are insufficient to determine the clinical significance of the variant at this time. The frequency of this variant in the general population is uninformative in assessment of its pathogenicity. Polyphen and MutationTaster predict this amino acid change may be benign.